The following is an entry in ClinVar:

NM_000170.3(GLDC):c.666T>C (p.Asp222=)

Gene: GLDC (glycine decarboxylase; minus strand). Cytogenetic location: 9p24.1.
Variant type: single nucleotide variant.
Coding change: c.666T>C on transcript NM_000170.3 (MANE Select); coding-DNA position 666, T replaced by C.
Protein change: p.Asp222=; no amino-acid change (aspartic acid 222 retained).
Molecular consequence: synonymous variant.
Genome position (GRCh38, 1-based): chr9:6,606,639, A>G on the plus strand (T>C on the coding strand, the complement: GLDC is on the minus strand). VCF-style: chr9-6606639-A-G. GRCh37 (hg19) VCF-style: chr9-6606639-A-G.
Other names: p.Asp222=.
Identifiers: ClinVar variation 367201 (VCV000367201.20), dbSNP rs12004164, ClinGen allele CA4981046.

ClinVar aggregate classification (germline): Benign. Review status: criteria provided, multiple submitters, no conflicts (2 of 4 stars). 8 submissions from 8 submitters: Benign (6). 2 of the submissions do not count toward it. Last evaluated 2026-02-03.

Conditions:
GLDC-related disorder. Also called: GLDC-related condition.
Glycine encephalopathy. Also called: Nonketotic hyperglycinemia; Non-ketotic hyperglycinemia. Identifiers: Orphanet 407, MedGen C0751748, MONDO:0011612, HP:0008288.

Allele frequency attached by ClinVar (database versions not stated): TOPMed 0.02734; 1000 Genomes Project 30x 0.03389; 1000 Genomes Project 0.03474; gnomAD exomes 0.00342 and 0.00946; ExAC 0.01095; ESP Exome Variant Server 0.01930; gnomAD 0.02460 and 0.02547.
gnomAD v4.1: 8,953 of 1,608,470 alleles (0.56%); highest among the groups gnomAD compares: African/African-American, 7.7%; 274 homozygotes.

Submissions (8):

Labcorp Genetics (formerly Invitae), Labcorp
Classification: Benign for Glycine encephalopathy. Last evaluated: 2026-02-03. Review status: criteria provided, single submitter. Criteria: Invitae Variant Classification Sherloc (09022015). Collection method: clinical testing. Allele origin: germline.

Mayo Clinic Laboratories, Mayo Clinic
Classification: Benign. Last evaluated: 2023-05-05. Review status: criteria provided, single submitter. Criteria: ACMG Guidelines, 2015. Collection method: clinical testing. Allele origin: germline. Observed: 4 variant alleles.

GeneDx
Classification: Benign. Last evaluated: 2018-08-10. Review status: criteria provided, single submitter. Criteria: GeneDx Variant Classification Process June 2021. Collection method: clinical testing. Allele origin: germline. Affected: yes.

Illumina Laboratory Services, Illumina
Classification: Benign for Glycine encephalopathy 1. Last evaluated: 2018-01-13. Review status: criteria provided, single submitter. Criteria: ICSL Variant Classification Criteria 13 December 2019. Collection method: clinical testing. Allele origin: germline.
Comment: This variant was observed in the ICSL laboratory as part of a predisposition screen in an ostensibly healthy population. It had not been previously curated by ICSL or reported in the Human Gene Mutation Database (HGMD: prior to June 1st, 2018), and was therefore a candidate for classification through an automated scoring system. Utilizing variant allele frequency, disease prevalence and penetrance estimates, and inheritance mode, an automated score was calculated to assess if this variant is too frequent to cause the disease. Based on the score and internal cut-off values, a variant classified as benign is not then subjected to further curation. The score for this variant resulted in a classification of benign for this disease.

Athena Diagnostics
Classification: Benign. Last evaluated: 2017-06-29. Review status: criteria provided, single submitter. Criteria: Athena Diagnostics Criteria. Collection method: clinical testing. Allele origin: germline.

Breakthrough Genomics
Classification: Benign. Review status: criteria provided, single submitter. Criteria: ACMG Guidelines, 2015. Collection method: not provided. Allele origin: germline. Inheritance: Autosomal recessive inheritance. Affected: yes.

Natera, Inc.
Classification: Benign for Non-ketotic hyperglycinemia. Last evaluated: 2020-09-16. Review status: no assertion criteria provided. Collection method: clinical testing. Allele origin: germline. Not counted in ClinVar's aggregate classification.

PreventionGenetics, part of Exact Sciences
Classification: Benign for GLDC-related condition. Last evaluated: 2019-02-28. Review status: no assertion criteria provided. Collection method: clinical testing. Allele origin: germline. Not counted in ClinVar's aggregate classification.
Comment: This variant is classified as benign based on ACMG/AMP sequence variant interpretation guidelines (Richards et al. 2015 PMID: 25741868, with internal and published modifications).

Literature cited by the submitters: PubMed 22171071 (cited by Athena Diagnostics).